The following is an entry in ClinVar:

NM_001273.5(CHD4):c.3046AAG[1] (p.Lys1017del)

Gene: CHD4 (chromodomain helicase DNA binding protein 4; minus strand). Cytogenetic location: 12p13.31.
Variant type: Microsatellite.
Coding change: c.3046AAG[1] on transcript NM_001273.5 (MANE Select); one copy of the 3-base unit AAG starting at c.3046; the reference has two copies in a row; one copy, 3 bases deleted.
Protein change: p.Lys1017del; deletes lysine 1017.
Molecular consequence: inframe deletion.
Genome position (GRCh38, 1-based): chr12:6,591,955-6,591,957, CTT deleted on the plus strand (AAG on the coding strand, the reverse complement: CHD4 is on the minus strand); deleting any 3 consecutive bases within chr12:6,591,955-6,591,960 gives the same sequence; the position shown is the placement nearest the transcript's 3' end. VCF-style (leftmost placement, unchanged base first): chr12-6591954-ACTT-A. GRCh37 (hg19) VCF-style: chr12-6701120-ACTT-A.
Other names: c.3025AAG[1], p.Lys1010del (NM_001297553.2); c.3007AAG[1], p.Lys1004del (NM_001363606.2); short protein forms K1017del, K1004del, K1010del.
Identifiers: ClinVar variation 420776 (VCV000420776.2), dbSNP rs1064794693, ClinGen allele CA16619582.

ClinVar aggregate classification (germline): Uncertain significance (1 of 4 stars; one submission).

Submission:

GeneDx
Classification: Uncertain significance. Last evaluated: 2016-03-21. Review status: criteria provided, single submitter. Criteria: GeneDx Variant Classification (06012015). Collection method: clinical testing. Allele origin: germline. Affected: yes.
Comment: The c.3049_3051delAAG variant in the RIT1 gene has not been reported previously as a disease-causing pathogenic variant nor as a benign variant, to our knowledge. The c.3049_3051delAAG variant causes an in-frame deletion of codon Lysine 1017, denoted p.Lys1017del. This deletion occurs at a residue that is conserved among species. The c.3049_3051delAAG variant was not observed in approximately 6500 individuals of European and African American ancestry in the NHLBI Exome Sequencing Project, indicating it is not a common benign variant in these populations. We interpret c.3049_3051delAAG as a variant of unknown significance.